The following is an entry in ClinVar:

ClinVar aggregate classification (germline): Uncertain significance (1 of 4 stars; one submission).

Conditions:
Developmental delay, impaired speech, and behavioral abnormalities, with or without seizures (DEDISB). Identifiers: MedGen C5575272, MONDO:0859263, OMIM 619964.

Submission:

Pittsburgh Clinical Genomics Laboratory, University of Pittsburgh Medical Center
Classification: Uncertain significance for Developmental delay, impaired speech, and behavioral abnormalities, with or without seizures. Last evaluated: 2023-02-07. Review status: criteria provided, single submitter. Criteria: ACMG Guidelines, 2015. Collection method: clinical testing. Allele origin: germline. Inheritance: Autosomal dominant inheritance. Affected: yes.
Comment: This sequence variant is a single nucleotide substitution (T>G) at coding position 1696 of the ARFGEF1 gene that results in a tyrosine to aspartic acid amino acid change at residue 566 of the ARFGEF1 encoded protein, Brefeldin A-inhibited guanine nucleotide-exchange protein 1 (BIG1). The Tyr566 residue falls in the HUS domain of BIG1 which plays a critical role in regulating downstream targets (PMID: 17640864). This is a novel variant that is absent from an online database of clinically annotated variants (ClinVar) and the gnomAD control population database (0 of approximately 248,000 alleles). To our knowledge the variant has not been observed in an individual affected by a ARFGEF1-related disorder in the published literature. Likewise, studies examining the functiol consequence of this variant have not been published, to our knowledge. Multiple bioinformatic tools predict that this tyrosine to aspartic acid amino acid change would be damaging, and the tyrosine residue is strongly conserved at this position across the vertebrate species examined. At this time, there is insufficient evidence to determine if this variant is pathogenic or benign. Therefore, we consider this a variant of uncertain significance. ACMG Criteria: PM2, PP3

Literature cited by the submitters: PubMed 17640864.

NM_006421.5(ARFGEF1):c.1696T>G (p.Tyr566Asp)

Gene: ARFGEF1 (ARF guanine nucleotide exchange factor 1; minus strand). Cytogenetic location: 8q13.2.
Variant type: single nucleotide variant.
Coding change: c.1696T>G on transcript NM_006421.5 (MANE Select); coding-DNA position 1696, T replaced by G.
Protein change: p.Tyr566Asp; replaces tyrosine 566 with aspartic acid.
Molecular consequence: missense variant. On other transcripts: non-coding transcript variant (1).
Genome position (GRCh38, 1-based): chr8:67,267,207, A>C on the plus strand (T>G on the coding strand, the complement: ARFGEF1 is on the minus strand). VCF-style: chr8-67267207-A-C. GRCh37 (hg19) VCF-style: chr8-68179442-A-C.
Other names: c.1696T>G, p.Tyr566Asp (NM_001413184.1, NM_001413185.1, NM_001413186.1 and 7 more transcripts); c.1096T>G, p.Tyr366Asp (NM_001413188.1, NM_001413193.1, NM_001413197.1); c.271T>G, p.Tyr91Asp (NM_001413196.1); short protein forms Y366D, Y566D, Y91D.
Identifiers: ClinVar variation 3376251 (VCV003376251.1).
Genomic context (GRCh38, chr8:67,267,207, plus strand): 5'-GATCATTTACTAGTCTTTCAAATATATTGGCTGCATTTAAGTCACAGTCATAGTTTACAT[A>C]AATATCCACTACACTCTGAGCATCTGTAACAATATAACATTAATTTCAACAAAGTACATC-3'
Protein context (NP_006412.2, residues 556-576): CADAQSVVDI[Tyr566Asp]VNYDCDLNAA